The following is an entry in ClinVar:

NM_013450.4(BAZ2B):c.3068_3069delinsT (p.Lys1023fs)

Gene: BAZ2B (bromodomain adjacent to zinc finger domain 2B; minus strand). Cytogenetic location: 2q24.2.
Variant type: Indel.
Coding change: c.3068_3069delinsT on transcript NM_013450.4 (MANE Select); coding-DNA positions 3068 to 3069, AA replaced by T.
Protein change: p.Lys1023fs; shifts the reading frame from lysine 1023.
Molecular consequence: frameshift variant.
Genome position (GRCh38, 1-based): chr2:159,395,775-159,395,776, TT replaced by A on the plus strand (AA replaced by T on the coding strand, the reverse complement: BAZ2B is on the minus strand). VCF-style: chr2-159395775-TT-A. GRCh37 (hg19) VCF-style: chr2-160252286-TT-A.
Other names: c.2960_2961delinsT, p.Lys987fs (NM_001289975.1); c.2906_2907delinsT, p.Lys969fs (NM_001329857.2); c.2993_2994delinsT, p.Lys998fs (NM_001329858.2); short protein forms K1023fs, K969fs, K987fs, K998fs.
Identifiers: ClinVar variation 4975133 (VCV004975133.1).
Genomic context (GRCh38, chr2:159,395,775, plus strand): 5'-TTAGGAAAAAGCATTACTTTATAAGGTAATATTTTTCTAGAAACATACACTTACTTCTGC[TT>A]TTTTACGAGCTTCCATAGCTTTCATAAGCATCATGTGTTGTCGCCTTCGCTCTCGTTCCT-3'

ClinVar aggregate classification (germline): Pathogenic (1 of 4 stars; one submission).

Submission:

GeneDx
Classification: Pathogenic. Last evaluated: 2026-03-18. Review status: criteria provided, single submitter. Criteria: GeneDx Variant Classification Process June 2021. Collection method: clinical testing. Allele origin: germline.
Comment: Frameshift variant predicted to result in protein truncation or nonsense mediated decay in a gene for which loss of function is a known mechanism of disease; Not observed at significant frequency in large population cohorts (gnomAD); Has not been previously published as pathogenic or benign to our knowledge